The following is an entry in ClinVar:

NM_000059.4(BRCA2):c.10048C>A (p.Gln3350Lys)

Gene: BRCA2 (BRCA2 DNA repair associated; plus strand). Cytogenetic location: 13q13.1.
Variant type: single nucleotide variant.
Coding change: c.10048C>A on transcript NM_000059.4 (MANE Select); coding-DNA position 10048, C replaced by A.
Protein change: p.Gln3350Lys; replaces glutamine 3350 with lysine.
Molecular consequence: missense variant. On other transcripts: non-coding transcript variant (1).
Genome position (GRCh38, 1-based): chr13:32,398,561, C>A. VCF-style: chr13-32398561-C-A. GRCh37 (hg19) VCF-style: chr13-32972698-C-A.
Other names: c.9952C>A, p.Gln3318Lys (NM_001406719.1); c.9997C>A, p.Gln3333Lys (NM_001406720.1); c.5116C>A, p.Gln1706Lys (NM_001406721.1); c.3631C>A, p.Gln1211Lys (NM_001406722.1); short protein forms Q1211K, Q1706K, Q3318K, Q3333K, Q3350K.
Identifiers: ClinVar variation 3224978 (VCV003224978.1), dbSNP rs2137666093, ClinGen allele CA387767825.

ClinVar aggregate classification (germline): Uncertain significance (1 of 4 stars; one submission).

Conditions:
Hereditary cancer-predisposing syndrome. Also called: Neoplastic Syndromes, Hereditary; Tumor predisposition; Hereditary neoplastic syndrome; Hereditary Cancer Syndrome. Identifiers: Orphanet 140162, MedGen C0027672, MeSH D009386, MONDO:0015356.

Submission:

Ambry Genetics
Classification: Uncertain significance for Hereditary cancer-predisposing syndrome. Last evaluated: 2024-01-30. Review status: criteria provided, single submitter. Criteria: Ambry Variant Classification Scheme 2023. Collection method: clinical testing. Allele origin: germline.
Comment: The p.Q3350K variant (also known as c.10048C>A), located in coding exon 26 of the BRCA2 gene, results from a C to A substitution at nucleotide position 10048. The glutamine at codon 3350 is replaced by lysine, an amino acid with similar properties. This amino acid position is conserved. In addition, the in silico prediction for this alteration is inconclusive. Based on the available evidence, the clinical significance of this alteration remains unclear.